The following is an entry in ClinVar:

NM_000282.4(PCCA):c.938G>A (p.Arg313Gln)

Gene: PCCA (propionyl-CoA carboxylase subunit alpha; plus strand). Cytogenetic location: 13q32.3.
Variant type: single nucleotide variant.
Coding change: c.938G>A on transcript NM_000282.4 (MANE Select); coding-DNA position 938, G replaced by A.
Protein change: p.Arg313Gln; replaces arginine 313 with glutamine.
Molecular consequence: missense variant. On other transcripts: 5 prime UTR variant (3), non-coding transcript variant (5).
Genome position (GRCh38, 1-based): chr13:100,273,219, G>A. VCF-style: chr13-100273219-G-A. GRCh37 (hg19) VCF-style: chr13-100925473-G-A.
Other names: c.860G>A, p.Arg287Gln (NM_001127692.3, NM_001352607.2, NM_001352608.2); c.938G>A, p.Arg313Gln (NM_001178004.2, NM_001352605.2, NM_001352606.2 and 1 more transcripts); c.-8G>A (NM_001352610.2, NM_001352611.2, NM_001352612.2); short protein forms R313Q, R287Q.
Identifiers: ClinVar variation 2161685 (VCV002161685.4), dbSNP rs776445448, ClinGen allele CA7033459.

ClinVar aggregate classification (germline): Conflicting classifications of pathogenicity. Review status: criteria provided, conflicting classifications (1 of 4 stars). 2 submissions from 2 submitters: Uncertain significance (1); Likely benign (1). Last evaluated 2026-02-17.

Conditions:
Propionic acidemia (PROP). Also called: GLYCINEMIA, KETOTIC; HYPERGLYCINEMIA WITH KETOACIDOSIS AND LEUKOPENIA; KETOTIC HYPERGLYCINEMIA. Identifiers: Orphanet 35, MedGen C0268579, MONDO:0011628, OMIM 606054, HP:0003571.

Allele frequency attached by ClinVar (database versions not stated): TOPMed below 0.00001; ExAC 0.00001; gnomAD 0.00001; gnomAD exomes 0.00001.
gnomAD v4.1: 11 of 1,613,044 alleles (0.00068%); highest among the groups gnomAD compares: Middle Eastern, 0.016%; no homozygotes.

Submissions (2):

Women's Health and Genetics/Laboratory Corporation of America, LabCorp
Classification: Uncertain significance. Last evaluated: 2026-02-17. Review status: criteria provided, single submitter. Criteria: LabCorp Variant Classification Summary - May 2015. Collection method: clinical testing. Allele origin: germline.
Comment: Variant summary: PCCA c.938G>A (p.Arg313Gln) results in a conservative amino acid change in the encoded protein sequence. Algorithms developed to predict the effect of missense changes on protein structure and function are either unavailable or do not agree on the potential impact of this missense change. The variant allele was found at a frequency of 1.2e-05 in 251270 control chromosomes. The available data on variant occurrences in the general population are insufficient to allow any conclusion about variant significance. To our knowledge, no occurrence of c.938G>A in individuals affected with PCCA-related conditions and no experimental evidence demonstrating its impact on protein function have been reported. ClinVar contains an entry for this variant (Variation ID: 2161685). Based on the evidence outlined above, the variant was classified as uncertain significance.

Labcorp Genetics (formerly Invitae), Labcorp
Classification: Likely benign for Propionic acidemia. Last evaluated: 2025-10-21. Review status: criteria provided, single submitter. Criteria: Invitae Variant Classification Sherloc (09022015). Collection method: clinical testing. Allele origin: germline.

Literature cited by the submitters: PubMed 29084941 (cited by Women's Health and Genetics/Laboratory Corporation of America, LabCorp).